The following is an entry in ClinVar:

NM_015107.3(PHF8):c.1874T>G (p.Leu625Trp)

Gene: PHF8 (PHD finger protein 8; minus strand). Cytogenetic location: Xp11.22.
Variant type: single nucleotide variant.
Coding change: c.1874T>G on transcript NM_015107.3 (MANE Select); coding-DNA position 1874, T replaced by G.
Protein change: p.Leu625Trp; replaces leucine 625 with tryptophan.
Molecular consequence: missense variant.
Genome position (GRCh38, 1-based): chrX:53,987,801, A>C on the plus strand (T>G on the coding strand, the complement: PHF8 is on the minus strand). VCF-style: chrX-53987801-A-C. GRCh37 (hg19) VCF-style: chrX-54014234-A-C.
Other names: c.1982T>G, p.Leu661Trp (NM_001441097.1, NM_001184896.1); c.1679T>G, p.Leu560Trp (NM_001441098.1, NM_001441096.1); c.1571T>G, p.Leu524Trp (NM_001184897.2); c.1874T>G, p.Leu625Trp (NM_001184898.2); short protein forms L524W, L560W, L625W, L661W.
Identifiers: ClinVar variation 5037042 (VCV005037042.1).

ClinVar aggregate classification (germline): Uncertain significance (1 of 4 stars; one submission).

Submission:

GeneDx
Classification: Uncertain significance. Last evaluated: 2026-04-15. Review status: criteria provided, single submitter. Criteria: GeneDx Variant Classification Process June 2021. Collection method: clinical testing. Allele origin: germline.
Comment: Not observed at significant frequency in large population cohorts (gnomAD); In silico analysis suggests that this missense variant does not alter protein structure/function; Has not been previously published as pathogenic or benign to our knowledge